The following is an entry in ClinVar:

NM_000478.6(ALPL):c.1438_1439insGCGTCCACGAGCAAAACTACG (p.Tyr479_Val480insGlyValHisGluGlnAsnTyr)

Gene: ALPL (alkaline phosphatase, biomineralization associated; plus strand). Cytogenetic location: 1p36.12.
Variant type: Insertion.
Coding change: c.1438_1439insGCGTCCACGAGCAAAACTACG on transcript NM_000478.6 (MANE Select); coding-DNA positions 1438 to 1439, GCGTCCACGAGCAAAACTACG inserted.
Protein change: p.Tyr479_Val480insGlyValHisGluGlnAsnTyr.
Molecular consequence: inframe insertion.
Genome position: GRCh38 VCF-style: chr1-21577504-G-GAACTACGGCGTCCACGAGCAA. GRCh37 (hg19) VCF-style: chr1-21903997-G-GAACTACGGCGTCCACGAGCAA.
Other names: c.1273_1274insGCGTCCACGAGCAAAACTACG, p.Tyr424_Val425insGlyValHisGluGlnAsnTyr (NM_001127501.4); c.1207_1208insGCGTCCACGAGCAAAACTACG, p.Tyr402_Val403insGlyValHisGluGlnAsnTyr (NM_001177520.3); c.1438_1439insGCGTCCACGAGCAAAACTACG, p.Tyr479_Val480insGlyValHisGluGlnAsnTyr (NM_001369803.2, NM_001369804.2, NM_001369805.2).
Identifiers: ClinVar variation 4729780 (VCV004729780.1).

ClinVar aggregate classification (germline): Uncertain significance (1 of 4 stars; one submission).

Submission:

Labcorp Genetics (formerly Invitae), Labcorp
Classification: Uncertain significance. Last evaluated: 2025-10-24. Review status: criteria provided, single submitter. Criteria: Invitae Variant Classification Sherloc (09022015). Collection method: clinical testing. Allele origin: germline.
Comment: This variant, c.1438_1439insGCGTCCACGAGCAAAACTACG, results in the insertion of 7 amino acid(s) of the ALPL protein (p.Gly473_Tyr479dup), but otherwise preserves the integrity of the reading frame. This variant is not present in population databases (gnomAD no frequency). This variant has not been reported in the literature in individuals affected with ALPL-related conditions. In summary, the available evidence is currently insufficient to determine the role of this variant in disease. Therefore, it has been classified as a Variant of Uncertain Significance.